The following is an entry in ClinVar:

ClinVar aggregate classification (germline): Uncertain significance (1 of 4 stars; one submission).

Allele frequency attached by ClinVar (database versions not stated): gnomAD exomes below 0.00001; ExAC 0.00001; TOPMed 0.00002.
gnomAD v4.1: 7 of 1,613,890 alleles (0.00043%); highest among the groups gnomAD compares: African/African-American, 0.0067%; no homozygotes.

Submission:

Labcorp Genetics (formerly Invitae), Labcorp
Classification: Uncertain significance. Last evaluated: 2026-01-12. Review status: criteria provided, single submitter. Criteria: Invitae Variant Classification Sherloc (09022015). Collection method: clinical testing. Allele origin: germline.
Comment: This sequence change replaces threonine, which is neutral and polar, with alanine, which is neutral and non-polar, at codon 200 of the FAT1 protein (p.Thr200Ala). This variant is present in population databases (rs759289718, gnomAD 0.01%). This variant has not been reported in the literature in individuals affected with FAT1-related conditions. ClinVar contains an entry for this variant (Variation ID: 1956426). An algorithm developed to predict the effect of missense changes on protein structure and function (PolyPhen-2) suggests that this variant is likely to be tolerated. In summary, the available evidence is currently insufficient to determine the role of this variant in disease. Therefore, it has been classified as a Variant of Uncertain Significance.

NM_005245.4(FAT1):c.598A>G (p.Thr200Ala)

Gene: FAT1 (FAT atypical cadherin 1; minus strand). Cytogenetic location: 4q35.2.
Variant type: single nucleotide variant.
Coding change: c.598A>G on transcript NM_005245.4 (MANE Select); coding-DNA position 598, A replaced by G.
Protein change: p.Thr200Ala; replaces threonine 200 with alanine.
Molecular consequence: missense variant.
Genome position (GRCh38, 1-based): chr4:186,709,230, T>C on the plus strand (A>G on the coding strand, the complement: FAT1 is on the minus strand). VCF-style: chr4-186709230-T-C. GRCh37 (hg19) VCF-style: chr4-187630384-T-C.
Other names: short protein forms T200A.
Identifiers: ClinVar variation 1956426 (VCV001956426.5), dbSNP rs759289718, ClinGen allele CA3167637.